The following is an entry in ClinVar:

ClinVar aggregate classification (germline): Uncertain significance (1 of 4 stars; one submission).

Conditions:
Autoimmune lymphoproliferative syndrome type 1. Also called: AUTOIMMUNE LYMPHOPROLIFERATIVE SYNDROME, TYPE I, AUTOSOMAL DOMINANT. Identifiers: Orphanet 3261, MedGen C2717884, MONDO:0011158, OMIM 601859.

Allele frequency attached by ClinVar (database versions not stated): TOPMed below 0.00001.

Submission:

Labcorp Genetics (formerly Invitae), Labcorp
Classification: Uncertain significance for Autoimmune lymphoproliferative syndrome. Last evaluated: 2019-12-22. Review status: criteria provided, single submitter. Criteria: Invitae Variant Classification Sherloc (09022015). Collection method: clinical testing. Allele origin: germline.
Comment: This variant is not present in population databases (ExAC no frequency). In summary, the available evidence is currently insufficient to determine the role of this variant in disease. Therefore, it has been classified as a Variant of Uncertain Significance. Algorithms developed to predict the effect of missense changes on protein structure and function output the following: SIFT: "Tolerated"; PolyPhen-2: "Benign"; Align-GVGD: "Class C0". The serine amino acid residue is found in multiple mammalian species, suggesting that this missense change does not adversely affect protein function. These predictions have not been confirmed by published functional studies and their clinical significance is uncertain. This variant has not been reported in the literature in individuals with FASLG-related conditions. This sequence change replaces cysteine with serine at codon 32 of the FASLG protein (p.Cys32Ser). The cysteine residue is moderately conserved and there is a moderate physicochemical difference between cysteine and serine.

NM_000639.3(FASLG):c.95G>C (p.Cys32Ser)

Gene: FASLG (Fas ligand; plus strand). Cytogenetic location: 1q24.3.
Variant type: single nucleotide variant.
Coding change: c.95G>C on transcript NM_000639.3 (MANE Select); coding-DNA position 95, G replaced by C.
Protein change: p.Cys32Ser; replaces cysteine 32 with serine.
Molecular consequence: missense variant.
Genome position (GRCh38, 1-based): chr1:172,659,296, G>C. VCF-style: chr1-172659296-G-C. GRCh37 (hg19) VCF-style: chr1-172628436-G-C.
Other names: c.95G>C, p.Cys32Ser (NM_001302746.2); short protein forms C32S.
Identifiers: ClinVar variation 857274 (VCV000857274.8), dbSNP rs1659082010, ClinGen allele CA343805091.